The following is an entry in ClinVar:

ClinVar aggregate classification (germline): Uncertain significance. Review status: criteria provided, multiple submitters, no conflicts (2 of 4 stars). 2 submissions from 2 submitters: Uncertain significance (2). Last evaluated 2024-12-18.

Conditions:
Hereditary cancer-predisposing syndrome. Also called: Hereditary neoplastic syndrome; Neoplastic Syndromes, Hereditary; Tumor predisposition; Hereditary Cancer Syndrome. Identifiers: Orphanet 140162, MedGen C0027672, MeSH D009386, MONDO:0015356.
Tuberous sclerosis 2 (TSC2). Identifiers: Orphanet 805, MedGen C1860707, MONDO:0013199, OMIM 613254.

Allele frequency attached by ClinVar (database versions not stated): TOPMed below 0.00001; gnomAD 0.00001.
gnomAD v4.1: 1 of 1,609,728 alleles (0.000062%); highest among the groups gnomAD compares: African/African-American, 0.0013%; no homozygotes.

Submissions (2):

Ambry Genetics
Classification: Uncertain significance for Hereditary cancer-predisposing syndrome. Last evaluated: 2024-12-18. Review status: criteria provided, single submitter. Criteria: Ambry Variant Classification Scheme 2023. Collection method: clinical testing. Allele origin: germline.
Comment: The p.A1617G variant (also known as c.4850C>G) is located in coding exon 37 of the TSC2 gene. The alanine at codon 1617 is replaced by glycine, an amino acid with similar properties. This change occurs in the first base pair of coding exon 37. This amino acid position is well conserved in available vertebrate species. In addition, this alteration is predicted to be deleterious by in silico analysis. Based on the available evidence, the clinical significance of this variant remains unclear.

Labcorp Genetics (formerly Invitae), Labcorp
Classification: Uncertain significance for Tuberous sclerosis 2. Last evaluated: 2024-07-16. Review status: criteria provided, single submitter. Criteria: Invitae Variant Classification Sherloc (09022015). Collection method: clinical testing. Allele origin: germline.
Comment: This sequence change replaces alanine, which is neutral and non-polar, with glycine, which is neutral and non-polar, at codon 1617 of the TSC2 protein (p.Ala1617Gly). This variant is not present in population databases (gnomAD no frequency). This variant has not been reported in the literature in individuals affected with TSC2-related conditions. ClinVar contains an entry for this variant (Variation ID: 468116). An algorithm developed to predict the effect of missense changes on protein structure and function (PolyPhen-2) suggests that this variant is likely to be disruptive. RNA analysis performed to evaluate the impact of this missense change on mRNA splicing indicates it does not significantly alter splicing (Invitae). In summary, the available evidence is currently insufficient to determine the role of this variant in disease. Therefore, it has been classified as a Variant of Uncertain Significance.

NM_000548.5(TSC2):c.4850C>G (p.Ala1617Gly)

Gene: TSC2 (TSC complex subunit 2; plus strand). Cytogenetic location: 16p13.3.
Variant type: single nucleotide variant.
Coding change: c.4850C>G on transcript NM_000548.5 (MANE Select); coding-DNA position 4850, C replaced by G.
Protein change: p.Ala1617Gly; replaces alanine 1617 with glycine.
Molecular consequence: missense variant.
Genome position (GRCh38, 1-based): chr16:2,086,732, C>G. VCF-style: chr16-2086732-C-G. GRCh37 (hg19) VCF-style: chr16-2136733-C-G.
Other names: c.4649C>G, p.Ala1550Gly (NM_001077183.3); c.4781C>G, p.Ala1594Gly (NM_001114382.3); c.4541C>G, p.Ala1514Gly (NM_001318827.2); c.4505C>G, p.Ala1502Gly (NM_001318829.2); c.4118C>G, p.Ala1373Gly (NM_001318831.2); c.4682C>G, p.Ala1561Gly (NM_001318832.2); c.4652C>G, p.Ala1551Gly (NM_001363528.2); c.4718C>G, p.Ala1573Gly (NM_001370404.1); and 1 more; short protein forms A1617G, A1551G, A1594G, A1561G, A1573G, A1574G, A1373G, A1514G.
Identifiers: ClinVar variation 468116 (VCV000468116.10), dbSNP rs1412545821, ClinGen allele CA394308217.